The following is an entry in ClinVar:

ClinVar aggregate classification (germline): Uncertain significance (1 of 4 stars; one submission).

Conditions:
Epidermodysplasia verruciformis. Identifiers: Orphanet 302, MedGen C0014522, MONDO:0009176.

Submission:

Labcorp Genetics (formerly Invitae), Labcorp
Classification: Uncertain significance for Epidermodysplasia verruciformis. Last evaluated: 2021-08-17. Review status: criteria provided, single submitter. Criteria: Invitae Variant Classification Sherloc (09022015). Collection method: clinical testing. Allele origin: germline.
Comment: This sequence change replaces leucine with proline at codon 227 of the TMC6 protein (p.Leu227Pro). The leucine residue is moderately conserved and there is a moderate physicochemical difference between leucine and proline. This variant is not present in population databases (ExAC no frequency). This variant has not been reported in the literature in individuals affected with TMC6-related conditions. Algorithms developed to predict the effect of missense changes on protein structure and function are either unavailable or do not agree on the potential impact of this missense change (SIFT: "Not Available"; PolyPhen-2: "Possibly Damaging"; Align-GVGD: "Not Available"). In summary, the available evidence is currently insufficient to determine the role of this variant in disease. Therefore, it has been classified as a Variant of Uncertain Significance.

NM_001127198.5(TMC6):c.680T>C (p.Leu227Pro)

Gene: TMC6 (transmembrane channel like 6; minus strand). Cytogenetic location: 17q25.3.
Variant type: single nucleotide variant.
Coding change: c.680T>C on transcript NM_001127198.5 (MANE Select); coding-DNA position 680, T replaced by C.
Protein change: p.Leu227Pro; replaces leucine 227 with proline.
Molecular consequence: missense variant. On other transcripts: non-coding transcript variant (4).
Genome position (GRCh38, 1-based): chr17:78,124,735, A>G on the plus strand (T>C on the coding strand, the complement: TMC6 is on the minus strand). VCF-style: chr17-78124735-A-G. GRCh37 (hg19) VCF-style: chr17-76120816-A-G.
Other names: c.680T>C, p.Leu227Pro (NM_001321185.1, NM_001374593.1, NM_001374594.1 and 4 more transcripts); short protein forms L227P.
Identifiers: ClinVar variation 1420747 (VCV001420747.5), dbSNP rs984039591, ClinGen allele CA401233117.
Genomic context (GRCh38, chr17:78,124,735, plus strand): 5'-GAGAGCACGCTGGAGCCGAACTGGCCCCCGATGCGCTTCAGGGCGTAGCGCCACGGCATC[A>G]GGGCCTGCAGGGCGGAGAGCAGCGCCAGGCCCAGGCTGTGCAAGGCCTGCGGGCACAGGC-3'
Protein context (NP_001120670.1, residues 217-237): GLALLSALQA[Leu227Pro]MPWRYALKRI